The following is an entry in ClinVar:

ClinVar aggregate classification (germline): Uncertain significance (1 of 4 stars; one submission).

Conditions:
Majeed syndrome (MJDS). Also called: CHRONIC RECURRENT MULTIFOCAL OSTEOMYELITIS 1, WITH CONGENITAL DYSERYTHROPOIETIC ANEMIA, WITH OR WITHOUT NEUTROPHILIC DERMATOSIS; LPIN2-Related Majeed Syndrome. Identifiers: Orphanet 77297, MedGen C1864997, MONDO:0012316, OMIM 609628.

Allele frequency attached by ClinVar (database versions not stated): gnomAD exomes below 0.00001 and 0.00001; TOPMed below 0.00001; ExAC 0.00001; gnomAD 0.00001.

Submission:

Labcorp Genetics (formerly Invitae), Labcorp
Classification: Uncertain significance for Majeed syndrome. Last evaluated: 2020-05-12. Review status: criteria provided, single submitter. Criteria: Invitae Variant Classification Sherloc (09022015). Collection method: clinical testing. Allele origin: germline.
Comment: Algorithms developed to predict the effect of missense changes on protein structure and function are either unavailable or do not agree on the potential impact of this missense change (SIFT: "Tolerated"; PolyPhen-2: "Probably Damaging"; Align-GVGD: "Class C0"). In summary, the available evidence is currently insufficient to determine the role of this variant in disease. Therefore, it has been classified as a Variant of Uncertain Significance. This variant has not been reported in the literature in individuals with LPIN2-related conditions. This variant is present in population databases (rs754730690, ExAC 0.001%). This sequence change replaces valine with alanine at codon 64 of the LPIN2 protein (p.Val64Ala). The valine residue is highly conserved and there is a small physicochemical difference between valine and alanine.

NM_001375808.2(LPIN2):c.191T>C (p.Val64Ala)

Gene: LPIN2 (lipin 2; minus strand). Cytogenetic location: 18p11.31.
Variant type: single nucleotide variant.
Coding change: c.191T>C on transcript NM_001375808.2 (MANE Select); coding-DNA position 191, T replaced by C.
Protein change: p.Val64Ala; replaces valine 64 with alanine.
Molecular consequence: missense variant.
Genome position (GRCh38, 1-based): chr18:2,960,650, A>G on the plus strand (T>C on the coding strand, the complement: LPIN2 is on the minus strand). VCF-style: chr18-2960650-A-G. GRCh37 (hg19) VCF-style: chr18-2960648-A-G.
Other names: c.191T>C, p.Val64Ala (NM_001375809.1, NM_014646.2); short protein forms V64A.
Identifiers: ClinVar variation 1019578 (VCV001019578.7), dbSNP rs754730690, ClinGen allele CA8873636.
Genomic context (GRCh38, chr18:2,960,650, plus strand): 5'-ACTCACTCACTTTCTCTTTGAATCTCAGGATGACTTTTCCTCTCCTTGAGGACACTCACC[A>G]CTTTCTCTTTGGATCTCAGGACTCCCAGCTTTCCAAACCGAACGTGAAAAGGTGAACACT-3'
Protein context (NP_001362737.1, residues 54-74): KLGVLRSKEK[Val64Ala]IDIEINGSAV